The following is an entry in ClinVar:

NM_000256.3(MYBPC3):c.1791-2del

Gene: MYBPC3 (myosin binding protein C3; minus strand). Cytogenetic location: 11p11.2.
Variant type: Deletion.
Coding change: c.1791-2del on transcript NM_000256.3 (MANE Select); the canonical splice acceptor site of the intron before coding-DNA position 1791, one base deleted (A; older notation c.1791-2delA).
Molecular consequence: splice acceptor variant.
Genome position (GRCh38, 1-based): chr11:47,341,246, T deleted on the plus strand (A on the coding strand, the reverse complement: MYBPC3 is on the minus strand). VCF-style (leftmost placement, unchanged base first): chr11-47341245-CT-C. GRCh37 (hg19) VCF-style: chr11-47362796-CT-C.
Identifiers: ClinVar variation 2095824 (VCV002095824.4), dbSNP rs2495760022, ClinGen allele CA2573332630.

ClinVar aggregate classification (germline): Likely pathogenic (1 of 4 stars; one submission).

Conditions:
Hypertrophic cardiomyopathy. Also called: HYPERTROPHIC MYOCARDIOPATHY. Identifiers: Orphanet 217569, MedGen C0007194, MeSH D002312, MONDO:0005045, HP:0001639.

Submission:

Labcorp Genetics (formerly Invitae), Labcorp
Classification: Likely pathogenic for Hypertrophic cardiomyopathy. Last evaluated: 2022-02-09. Review status: criteria provided, single submitter. Criteria: Invitae Variant Classification Sherloc (09022015). Collection method: clinical testing. Allele origin: germline.
Comment: In summary, the currently available evidence indicates that the variant is pathogenic, but additional data are needed to prove that conclusively. Therefore, this variant has been classified as Likely Pathogenic. Algorithms developed to predict the effect of sequence changes on RNA splicing suggest that this variant may disrupt the consensus splice site. This variant has not been reported in the literature in individuals affected with MYBPC3-related conditions. This variant is not present in population databases (gnomAD no frequency). This sequence change affects a splice site in intron 18 of the MYBPC3 gene. It is expected to disrupt RNA splicing. Variants that disrupt the donor or acceptor splice site typically lead to a loss of protein function (PMID: 16199547), and loss-of-function variants in MYBPC3 are known to be pathogenic (PMID: 19574547).

Literature cited by the submitters: PubMed 16199547; PubMed 19574547.